The following is an entry in ClinVar:

NM_016507.4(CDK12):c.458G>A (p.Arg153His)

Genes: CDK12 (cyclin dependent kinase 12; plus strand), LOC126862553 (CDK7 strongly-dependent group 2 enhancer GRCh37_chr17:37618166-37619365; plus strand). Cytogenetic location: 17q12.
Variant type: single nucleotide variant.
Coding change: c.458G>A on transcript NM_016507.4 (MANE Select); coding-DNA position 458, G replaced by A.
Protein change: p.Arg153His; replaces arginine 153 with histidine.
Molecular consequence: missense variant.
Genome position (GRCh38, 1-based): chr17:39,462,529, G>A. VCF-style: chr17-39462529-G-A. GRCh37 (hg19) VCF-style: chr17-37618782-G-A.
Other names: c.458G>A, p.Arg153His (NM_015083.4); short protein forms R153H.
Identifiers: ClinVar variation 3999560 (VCV003999560.1).

ClinVar aggregate classification (germline): Uncertain significance (1 of 4 stars; one submission).

Submission:

Ambry Genetics
Classification: Uncertain significance. Last evaluated: 2025-06-13. Review status: criteria provided, single submitter. Criteria: Ambry Variant Classification Scheme 2023. Collection method: clinical testing. Allele origin: germline.
Comment: The p.R153H variant (also known as c.458G>A), located in coding exon 1 of the CDK12 gene, results from a G to A substitution at nucleotide position 458. The arginine at codon 153 is replaced by histidine, an amino acid with highly similar properties. This amino acid position is conserved. In addition, this alteration is predicted to be tolerated by in silico analysis. Based on the available evidence, the clinical significance of this variant remains unclear.